The following is an entry in ClinVar:

ClinVar aggregate classification (germline): Uncertain significance (1 of 4 stars; one submission).

Conditions:
Inborn genetic diseases. Identifiers: MedGen C0950123, MeSH D030342.

gnomAD v4.1: 16 of 1,613,508 alleles (0.00099%); highest among the groups gnomAD compares: Non-Finnish European, 0.0014%; no homozygotes.

Submission:

Ambry Genetics
Classification: Uncertain significance for Inborn genetic diseases. Last evaluated: 2025-02-01. Review status: criteria provided, single submitter. Criteria: Ambry Variant Classification Scheme 2023. Collection method: clinical testing. Allele origin: germline.
Comment: The p.Y829C variant (also known as c.2486A>G), located in coding exon 8 of the MECOM gene, results from an A to G substitution at nucleotide position 2486. The tyrosine at codon 829 is replaced by cysteine, an amino acid with highly dissimilar properties. This amino acid position is conserved. In addition, the in silico prediction for this alteration is inconclusive. Based on the available evidence, the clinical significance of this variant remains unclear.

NM_004991.4(MECOM):c.2486A>G (p.Tyr829Cys)

Gene: MECOM (MDS1 and EVI1 complex locus; minus strand). Cytogenetic location: 3q26.2.
Variant type: single nucleotide variant.
Coding change: c.2486A>G on transcript NM_004991.4 (MANE Select); coding-DNA position 2486, A replaced by G.
Protein change: p.Tyr829Cys; replaces tyrosine 829 with cysteine.
Molecular consequence: missense variant.
Genome position (GRCh38, 1-based): chr3:169,115,386, T>C on the plus strand (A>G on the coding strand, the complement: MECOM is on the minus strand). VCF-style: chr3-169115386-T-C. GRCh37 (hg19) VCF-style: chr3-168833174-T-C.
Other names: c.2117A>G, p.Tyr706Cys (NM_001105077.4); c.1922A>G, p.Tyr641Cys (NM_001105078.4, NM_001164000.2, NM_001205194.2 and 4 more transcripts); c.1925A>G, p.Tyr642Cys (NM_001163999.2, NM_001366467.2, NM_001366468.2 and 1 more transcripts); c.2486A>G, p.Tyr829Cys (NM_001366466.2); c.1514A>G, p.Tyr505Cys (NM_001366473.2); c.950A>G, p.Tyr317Cys (NM_001366474.2); short protein forms Y641C, Y706C, Y829C, Y317C, Y505C, Y642C.
Identifiers: ClinVar variation 3871776 (VCV003871776.1).